The following is an entry in ClinVar:

NM_001374736.1(DST):c.13158T>A (p.Asn4386Lys)

Gene: DST (dystonin; minus strand). Cytogenetic location: 6p12.1.
Variant type: single nucleotide variant.
Coding change: c.13158T>A on transcript NM_001374736.1 (MANE Select); coding-DNA position 13158, T replaced by A.
Protein change: p.Asn4386Lys; replaces asparagine 4386 with lysine.
Molecular consequence: missense variant.
Genome position (GRCh38, 1-based): chr6:56,573,757, A>T on the plus strand (T>A on the coding strand, the complement: DST is on the minus strand). VCF-style: chr6-56573757-A-T. GRCh37 (hg19) VCF-style: chr6-56438555-A-T.
Other names: c.6801T>A, p.Asn2267Lys (NM_001144769.5); c.6387T>A, p.Asn2129Lys (NM_001144770.2); c.13158T>A, p.Asn4386Lys (NM_001374722.1); c.12525T>A, p.Asn4175Lys (NM_001374729.1); c.6267T>A, p.Asn2089Lys (NM_001374730.1, NM_183380.4); c.13185T>A, p.Asn4395Lys (NM_001374734.1); c.5289T>A, p.Asn1763Lys (NM_015548.5); short protein forms N1763K, N2089K, N2129K, N4175K, N4395K, N2267K, N4386K.
Identifiers: ClinVar variation 971108 (VCV000971108.6), dbSNP rs745960567, ClinGen allele CA3868271.

ClinVar aggregate classification (germline): Uncertain significance (1 of 4 stars; one submission).

Conditions:
Epidermolysis bullosa simplex 3, localized or generalized intermediate, with BP230 deficiency (EBS3). Also called: Epidermolysis bullosa simplex, autosomal recessive 2; Epidermolysis bullosa simplex due to BP230 deficiency. Identifiers: Orphanet 412181, MedGen C3809470, MONDO:0014180, OMIM 615425.
Hereditary sensory and autonomic neuropathy type 6. Also called: Neuropathy, hereditary sensory and autonomic, type VI; HSAN VI. Identifiers: Orphanet 314381, MedGen C3539003, MONDO:0013839, OMIM 614653.

Allele frequency attached by ClinVar (database versions not stated): ExAC 0.00002; gnomAD exomes 0.00002.
gnomAD v4.1: 14 of 1,613,618 alleles (0.00087%); highest among the groups gnomAD compares: South Asian, 0.015%; no homozygotes.

Submission:

Labcorp Genetics (formerly Invitae), Labcorp
Classification: Uncertain significance for Epidermolysis bullosa simplex 3, localized or generalized intermediate, with BP230 deficiency; Hereditary sensory and autonomic neuropathy type 6. Last evaluated: 2019-11-04. Review status: criteria provided, single submitter. Criteria: Invitae Variant Classification Sherloc (09022015). Collection method: clinical testing. Allele origin: germline.
Comment: This sequence change replaces asparagine with lysine at codon 1763 of the DST protein (p.Asn1763Lys). The asparagine residue is weakly conserved and there is a moderate physicochemical difference between the two amino acids. The DST gene has multiple clinically relevant transcripts. This variant occurs in alternate transcript NM_015548.4, and corresponds to NM_001723.5:c.*41760T>A in the primary transcript. In summary, the available evidence is currently insufficient to determine the role of this variant in disease. Therefore, it has been classified as a Variant of Uncertain Significance. Algorithms developed to predict the effect of missense changes on protein structure and function are either unavailable or do not agree on the potential impact of this missense change (SIFT: "Tolerated"; PolyPhen-2: "Not Available"; Align-GVGD: "Class C0"). This variant has not been reported in the literature in individuals with DST-related conditions. This variant is present in population databases (rs745960567, ExAC 0.02%).